The following is an entry in ClinVar:

NM_004415.4(DSP):c.8216C>T (p.Pro2739Leu)

Gene: DSP (desmoplakin; plus strand). Cytogenetic location: 6p24.3.
Variant type: single nucleotide variant.
Coding change: c.8216C>T on transcript NM_004415.4 (MANE Select); coding-DNA position 8216, C replaced by T.
Protein change: p.Pro2739Leu; replaces proline 2739 with leucine.
Molecular consequence: missense variant.
Genome position (GRCh38, 1-based): chr6:7,585,478, C>T. VCF-style: chr6-7585478-C-T. GRCh37 (hg19) VCF-style: chr6-7585711-C-T.
Other names: c.6419C>T, p.Pro2140Leu (NM_001008844.3); c.6887C>T, p.Pro2296Leu (NM_001319034.2); short protein forms P2739L, P2296L, P2140L.
Identifiers: ClinVar variation 921195 (VCV000921195.10), dbSNP rs761527198, ClinGen allele CA051795.
Genomic context (GRCh38, chr6:7,585,478, plus strand): 5'-CGTATGAGGCTGGCCAGCGCTTCCTGGAGTTCCAGTACCTCACGGGAGGTCTTGTTGACC[C>T]GGAAGTGCATGGGAGGATAAGCACCGAAGAAGCCATCCGGAAGGGGTTCATAGATGGCCG-3'
Protein context (NP_004406.2, residues 2729-2749): FQYLTGGLVD[Pro2739Leu]EVHGRISTEE

ClinVar aggregate classification (germline): Uncertain significance. Review status: criteria provided, multiple submitters, no conflicts (2 of 4 stars). 4 submissions from 4 submitters: Uncertain significance (4). Last evaluated 2024-09-23.

Conditions:
Arrhythmogenic cardiomyopathy with wooly hair and keratoderma. Also called: PALMOPLANTAR KERATODERMA WITH LEFT VENTRICULAR CARDIOMYOPATHY AND WOOLLY HAIR; Carvajal syndrome; Dilated cardiomyopathy with woolly hair and keratoderma; Arrhythmogenic cardiomyopathy with woolly hair and keratoderma. Identifiers: Orphanet 65282, MedGen C1854063, MONDO:0011581, OMIM 605676.
Arrhythmogenic right ventricular dysplasia 8 (ARVD8). Also called: Arrhythmogenic Right Ventricular Dysplasia/Cardiomyopathy 8; ARRHYTHMOGENIC RIGHT VENTRICULAR DYSPLASIA, FAMILIAL, 8; ARRHYTHMOGENIC RIGHT VENTRICULAR CARDIOMYOPATHY 8. Identifiers: MedGen C1843896, MONDO:0011831, OMIM 607450.
Cardiovascular phenotype. Identifiers: MedGen CN230736.
Cardiomyopathy (CMYO). Also called: Cardiomyopathies. Identifiers: Orphanet 167848, MedGen C0878544, MONDO:0004994, HP:0001638. Inheritance: Various modes of inheritance.

Allele frequency attached by ClinVar (database versions not stated): gnomAD exomes below 0.00001 and 0.00001; ExAC 0.00001; gnomAD 0.00001; TOPMed 0.00001.
gnomAD v4.1: 16 of 1,613,984 alleles (0.00099%); highest among the groups gnomAD compares: Non-Finnish European, 0.0013%; no homozygotes.

Submissions (4):

All of Us Research Program, National Institutes of Health
Classification: Uncertain significance for Arrhythmogenic cardiomyopathy with wooly hair and keratoderma. Last evaluated: 2024-09-23. Review status: criteria provided, single submitter. Criteria: ACMG Guidelines, 2015. Collection method: clinical testing. Allele origin: germline. Inheritance: Autosomal dominant inheritance. Observed: 1 variant allele, 1 heterozygote.
Comment: This study involves interpretation of variants in research participants for the purpose of population health screening. Participant phenotype was not available at the time of variant classification. Additional details can be found in publication PMID: 35346344, PMCID: PMC8962531

Color Diagnostics, LLC DBA Color Health
Classification: Uncertain significance for Cardiomyopathy. Last evaluated: 2024-03-07. Review status: criteria provided, single submitter. Criteria: ACMG Guidelines, 2015. Collection method: clinical testing. Allele origin: germline.
Comment: This missense variant replaces proline with leucine at codon 2739 of the DSP protein. Computational prediction suggests that this variant may have deleterious impact on protein structure and function (internally defined REVEL score threshold >= 0.7, PMID: 27666373). To our knowledge, functional studies have not been reported for this variant. This variant has not been reported in individuals affected with DSP-related disorders in the literature. This variant has been identified in 1/251418 chromosomes in the general population by the Genome Aggregation Database (gnomAD). The available evidence is insufficient to determine the role of this variant in disease conclusively. Therefore, this variant is classified as a Variant of Uncertain Significance.

Labcorp Genetics (formerly Invitae), Labcorp
Classification: Uncertain significance for Arrhythmogenic cardiomyopathy with wooly hair and keratoderma; Arrhythmogenic right ventricular dysplasia 8. Last evaluated: 2022-11-07. Review status: criteria provided, single submitter. Criteria: Invitae Variant Classification Sherloc (09022015). Collection method: clinical testing. Allele origin: germline.
Comment: In summary, the available evidence is currently insufficient to determine the role of this variant in disease. Therefore, it has been classified as a Variant of Uncertain Significance. Algorithms developed to predict the effect of missense changes on protein structure and function (SIFT, PolyPhen-2, Align-GVGD) all suggest that this variant is likely to be disruptive. ClinVar contains an entry for this variant (Variation ID: 921195). This variant has not been reported in the literature in individuals affected with DSP-related conditions. This variant is present in population databases (rs761527198, gnomAD 0.0009%). This sequence change replaces proline, which is neutral and non-polar, with leucine, which is neutral and non-polar, at codon 2739 of the DSP protein (p.Pro2739Leu).

Ambry Genetics
Classification: Uncertain significance for Cardiovascular phenotype. Last evaluated: 2022-09-05. Review status: criteria provided, single submitter. Criteria: Ambry Variant Classification Scheme 2023. Collection method: clinical testing. Allele origin: germline.
Comment: The p.P2739L variant (also known as c.8216C>T), located in coding exon 24 of the DSP gene, results from a C to T substitution at nucleotide position 8216. The proline at codon 2739 is replaced by leucine, an amino acid with similar properties. This amino acid position is conserved. In addition, this alteration is predicted to be deleterious by in silico analysis. Since supporting evidence is limited at this time, the clinical significance of this alteration remains unclear.